The following is an entry in ClinVar:

NM_014053.4(FLVCR1):c.1543C>G (p.Leu515Val)

Gene: FLVCR1 (FLVCR choline and heme transporter 1; plus strand). Cytogenetic location: 1q32.3.
Variant type: single nucleotide variant.
Coding change: c.1543C>G on transcript NM_014053.4 (MANE Select); coding-DNA position 1543, C replaced by G.
Protein change: p.Leu515Val; replaces leucine 515 with valine.
Molecular consequence: missense variant.
Genome position (GRCh38, 1-based): chr1:212,895,003, C>G. VCF-style: chr1-212895003-C-G. GRCh37 (hg19) VCF-style: chr1-213068345-C-G.
Other names: short protein forms L515V.
Identifiers: ClinVar variation 2134828 (VCV002134828.4), dbSNP rs746506424, ClinGen allele CA344794246.

ClinVar aggregate classification (germline): Uncertain significance (1 of 4 stars; one submission).

gnomAD v4.1: 1 of 1,604,240 alleles (0.000062%); highest among the groups gnomAD compares: Non-Finnish European, 0.000085%; no homozygotes.

Submission:

Labcorp Genetics (formerly Invitae), Labcorp
Classification: Uncertain significance. Last evaluated: 2022-05-06. Review status: criteria provided, single submitter. Criteria: Invitae Variant Classification Sherloc (09022015). Collection method: clinical testing. Allele origin: germline.
Comment: This variant is not present in population databases (gnomAD no frequency). This sequence change replaces leucine, which is neutral and non-polar, with valine, which is neutral and non-polar, at codon 515 of the FLVCR1 protein (p.Leu515Val). This variant has not been reported in the literature in individuals affected with FLVCR1-related conditions. In summary, the available evidence is currently insufficient to determine the role of this variant in disease. Therefore, it has been classified as a Variant of Uncertain Significance. Algorithms developed to predict the effect of missense changes on protein structure and function are either unavailable or do not agree on the potential impact of this missense change (SIFT: "Deleterious"; PolyPhen-2: "Possibly Damaging"; Align-GVGD: "Class C0").